The following is an entry in ClinVar:

NM_025074.7(FRAS1):c.154C>T (p.His52Tyr)

Gene: FRAS1 (Fraser extracellular matrix complex subunit 1; plus strand). Cytogenetic location: 4q21.21.
Variant type: single nucleotide variant.
Coding change: c.154C>T on transcript NM_025074.7 (MANE Select); coding-DNA position 154, C replaced by T.
Protein change: p.His52Tyr; replaces histidine 52 with tyrosine.
Molecular consequence: missense variant.
Genome position (GRCh38, 1-based): chr4:78,237,555, C>T. VCF-style: chr4-78237555-C-T. GRCh37 (hg19) VCF-style: chr4-79158709-C-T.
Other names: c.154C>T, p.His52Tyr (NM_001166133.2); short protein forms H52Y.
Identifiers: ClinVar variation 2092974 (VCV002092974.5), dbSNP rs2476486849, ClinGen allele CA357351545.

ClinVar aggregate classification (germline): Uncertain significance. Review status: criteria provided, multiple submitters, no conflicts (2 of 4 stars). 2 submissions from 2 submitters: Uncertain significance (2). Last evaluated 2024-06-17.

Conditions:
Fraser syndrome 1 (FRASRS1). Also called: CRYPTOPHTHALMOS WITH OTHER MALFORMATIONS. Identifiers: Orphanet 2052, MedGen C4551480, MONDO:0054737, OMIM 219000.

Submissions (2):

Fulgent Genetics
Classification: Uncertain significance for Fraser syndrome 1. Last evaluated: 2024-06-17. Review status: criteria provided, single submitter. Criteria: ACMG Guidelines, 2015. Collection method: clinical testing. Allele origin: germline.

Labcorp Genetics (formerly Invitae), Labcorp
Classification: Uncertain significance. Last evaluated: 2022-08-10. Review status: criteria provided, single submitter. Criteria: Invitae Variant Classification Sherloc (09022015). Collection method: clinical testing. Allele origin: germline.
Comment: This sequence change replaces histidine, which is basic and polar, with tyrosine, which is neutral and polar, at codon 52 of the FRAS1 protein (p.His52Tyr). This variant is not present in population databases (gnomAD no frequency). This variant has not been reported in the literature in individuals affected with FRAS1-related conditions. Algorithms developed to predict the effect of missense changes on protein structure and function are either unavailable or do not agree on the potential impact of this missense change (SIFT: "Deleterious"; PolyPhen-2: "Benign"; Align-GVGD: "Class C0"). In summary, the available evidence is currently insufficient to determine the role of this variant in disease. Therefore, it has been classified as a Variant of Uncertain Significance.